The following is an entry in ClinVar:

ClinVar aggregate classification (germline): Uncertain significance (1 of 4 stars; one submission).

Conditions:
Early-infantile DEE. Also called: Early infantile epileptic encephalopathy with suppression bursts; Ohtahara syndrome; Early infantile epileptic encephalopathy. Identifiers: Orphanet 1934, MedGen C0393706, MONDO:0800491.

Allele frequency attached by ClinVar (database versions not stated): gnomAD exomes below 0.00001.
gnomAD v4.1: 3 of 1,572,734 alleles (0.00019%); no homozygotes.

Submission:

Labcorp Genetics (formerly Invitae), Labcorp
Classification: Uncertain significance for Early-infantile DEE. Last evaluated: 2020-07-10. Review status: criteria provided, single submitter. Criteria: Invitae Variant Classification Sherloc (09022015). Collection method: clinical testing. Allele origin: germline.
Comment: In summary, the available evidence is currently insufficient to determine the role of this variant in disease. Therefore, it has been classified as a Variant of Uncertain Significance. Algorithms developed to predict the effect of missense changes on protein structure and function are either unavailable or do not agree on the potential impact of this missense change (SIFT: "Deleterious"; PolyPhen-2: "Possibly Damaging"; Align-GVGD: "Class C0"). This variant has not been reported in the literature in individuals with KCNQ2-related conditions. This variant is not present in population databases (ExAC no frequency). This sequence change replaces leucine with valine at codon 403 of the KCNQ2 protein (p.Leu403Val). The leucine residue is highly conserved and there is a small physicochemical difference between leucine and valine.

NM_172107.4(KCNQ2):c.1207C>G (p.Leu403Val)

Gene: KCNQ2 (potassium voltage-gated channel subfamily Q member 2; minus strand). Cytogenetic location: 20q13.33.
Variant type: single nucleotide variant.
Coding change: c.1207C>G on transcript NM_172107.4 (MANE Select); coding-DNA position 1207, C replaced by G.
Protein change: p.Leu403Val; replaces leucine 403 with valine.
Molecular consequence: missense variant.
Genome position (GRCh38, 1-based): chr20:63,428,377, G>C on the plus strand (C>G on the coding strand, the complement: KCNQ2 is on the minus strand). VCF-style: chr20-63428377-G-C. GRCh37 (hg19) VCF-style: chr20-62059730-G-C.
Other names: c.1207C>G, p.Leu403Val (NM_001382235.1, NM_172106.3, NM_172108.5); c.1177C>G, p.Leu393Val (NM_004518.6); short protein forms L393V, L403V.
Identifiers: ClinVar variation 998578 (VCV000998578.9), dbSNP rs1166282198, ClinGen allele CA409649768.